The following is an entry in ClinVar:

ClinVar aggregate classification (germline): Conflicting classifications of pathogenicity. Review status: criteria provided, conflicting classifications (1 of 4 stars). 3 submissions from 3 submitters: Uncertain significance (1); Benign (1); Likely benign (1). Last evaluated 2026-01-18.

Conditions:
Kabuki syndrome. Also called: NIIKAWA-KUROKI SYNDROME; Kabuki make-up syndrome. Identifiers: Orphanet 2322, MedGen C0796004, MONDO:0016512.

Submissions (3):

Labcorp Genetics (formerly Invitae), Labcorp
Classification: Uncertain significance for Kabuki syndrome. Last evaluated: 2026-01-18. Review status: criteria provided, single submitter. Criteria: Invitae Variant Classification Sherloc (09022015). Collection method: clinical testing. Allele origin: germline.
Comment: This variant, c.11729_11734del, results in the deletion of 2 amino acid(s) of the KMT2D protein (p.Gln3910_Gln3911del), but otherwise preserves the integrity of the reading frame. The frequency data for this variant in the population databases is considered unreliable, as metrics indicate poor data quality at this position in the gnomAD database. This variant has been observed in individual(s) with clinical features of Kabuki syndrome. One individual also had a pathogenic KMT2D variant. (PMID: 25896430, 32803813). In at least one individual the variant was observed to be de novo. This variant has been observed in at least one individual who was not affected with KMT2D-related conditions (internal data). This variant is also known as c.11718_11723delGCAACA (p.3907_3909delQQ). Experimental studies and prediction algorithms are not available or were not evaluated, and the functional significance of this variant is currently unknown. In summary, the available evidence is currently insufficient to determine the role of this variant in disease. Therefore, it has been classified as a Variant of Uncertain Significance.

Blueprint Genetics
Classification: Likely benign. Last evaluated: 2023-12-11. Review status: criteria provided, single submitter. Criteria: ACMG Guidelines, 2015. Collection method: clinical testing. Allele origin: germline.

Eurofins Ntd Llc (ga)
Classification: Benign. Last evaluated: 2017-03-02. Review status: criteria provided, single submitter. Criteria: EGL Classification Definitions 2015. Collection method: clinical testing. Allele origin: germline. Observed: 2 variant alleles, 2 heterozygotes.

Literature cited by the submitters: PubMed 25896430 (cited by Labcorp Genetics (formerly Invitae), Labcorp); PubMed 32803813 (cited by Labcorp Genetics (formerly Invitae), Labcorp).

NM_003482.4(KMT2D):c.11723AGCAAC[1] (p.Gln3910_Gln3911del)

Gene: KMT2D (lysine methyltransferase 2D; minus strand). Cytogenetic location: 12q13.12.
Variant type: Microsatellite.
Coding change: c.11723AGCAAC[1] on transcript NM_003482.4 (MANE Select); one copy of the 6-base unit AGCAAC starting at c.11723; the reference has two copies in a row; one copy, 6 bases deleted.
Protein change: p.Gln3910_Gln3911del.
Molecular consequence: inframe deletion.
Genome position (GRCh38, 1-based): chr12:49,032,971-49,032,976, GTTGCT deleted on the plus strand (AGCAAC on the coding strand, the reverse complement: KMT2D is on the minus strand); deleting any 6 consecutive bases within chr12:49,032,971-49,032,987 gives the same sequence; the position shown is the placement nearest the transcript's 3' end. VCF-style (leftmost placement, unchanged base first): chr12-49032970-AGTTGCT-A. GRCh37 (hg19) VCF-style: chr12-49426753-AGTTGCT-A.
Other names: c.11729_11734delAGCAAC (NM_003482.3).
Identifiers: ClinVar variation 94152 (VCV000094152.17), dbSNP rs398123709, ClinGen allele CA221997.
Genomic context (GRCh38, chr12:49,032,970, plus strand): 5'-TGAAGCTGTTGCTGCTGAAGTTGCTGTTGCTGTTGTAGCTGCTGCTGCTGCTGCTGCTGA[AGTTGCT>A]GTTGCTGTTGCAGCTGCTGCTGCTGCTGAAGCTGCTGTAAAGAGCCCATGGGCTGAGCGC-3'